The following is an entry in ClinVar:

NM_004924.6(ACTN4):c.1712A>G (p.Asp571Gly)

Gene: ACTN4 (actinin alpha 4; plus strand). Cytogenetic location: 19q13.2.
Variant type: single nucleotide variant.
Coding change: c.1712A>G on transcript NM_004924.6 (MANE Select); coding-DNA position 1712, A replaced by G.
Protein change: p.Asp571Gly; replaces aspartic acid 571 with glycine.
Molecular consequence: missense variant.
Genome position (GRCh38, 1-based): chr19:38,724,176, A>G. VCF-style: chr19-38724176-A-G. GRCh37 (hg19) VCF-style: chr19-39214816-A-G.
Other names: p.Asp571Gly; c.1712A>G (NM_004924.4); c.1712A>G, p.Asp571Gly (NM_001322033.2); short protein forms D571G.
Identifiers: ClinVar variation 1382056 (VCV001382056.9), dbSNP rs367745869, ClinGen allele CA9417760.

ClinVar aggregate classification (germline): Conflicting classifications of pathogenicity. Review status: criteria provided, conflicting classifications (1 of 4 stars). 4 submissions from 4 submitters: Uncertain significance (3); Likely benign (1). Last evaluated 2025-08-23.

Conditions:
Inborn genetic diseases. Identifiers: MedGen C0950123, MeSH D030342.
Focal segmental glomerulosclerosis 1 (FSGS1). Identifiers: Orphanet 656, MedGen C4551527, MONDO:0011303, OMIM 603278.

Allele frequency attached by ClinVar (database versions not stated): gnomAD exomes 0.00001 and 0.00004; ExAC 0.00006; gnomAD 0.00020 and 0.00021; ESP Exome Variant Server 0.00023; TOPMed 0.00023; 1000 Genomes Project 30x 0.00031; 1000 Genomes Project 0.00040.
gnomAD v4.1: 43 of 1,613,804 alleles (0.0027%); highest among the groups gnomAD compares: African/African-American, 0.047%; no homozygotes.

Submissions (4):

Ambry Genetics
Classification: Likely benign for Inborn genetic diseases. Last evaluated: 2025-08-23. Review status: criteria provided, single submitter. Criteria: Ambry Variant Classification Scheme 2023. Collection method: clinical testing. Allele origin: germline.

Labcorp Genetics (formerly Invitae), Labcorp
Classification: Uncertain significance. Last evaluated: 2025-06-23. Review status: criteria provided, single submitter. Criteria: Invitae Variant Classification Sherloc (09022015). Collection method: clinical testing. Allele origin: germline.
Comment: This sequence change replaces aspartic acid, which is acidic and polar, with glycine, which is neutral and non-polar, at codon 571 of the ACTN4 protein (p.Asp571Gly). This variant is present in population databases (rs367745869, gnomAD 0.05%). This variant has not been reported in the literature in individuals affected with ACTN4-related conditions. ClinVar contains an entry for this variant (Variation ID: 1382056). Invitae Evidence Modeling of protein sequence and biophysical properties (such as structural, functional, and spatial information, amino acid conservation, physicochemical variation, residue mobility, and thermodynamic stability) indicates that this missense variant is not expected to disrupt ACTN4 protein function with a negative predictive value of 80%. In summary, the available evidence is currently insufficient to determine the role of this variant in disease. Therefore, it has been classified as a Variant of Uncertain Significance.

Mayo Clinic Laboratories, Mayo Clinic
Classification: Uncertain significance. Last evaluated: 2023-03-30. Review status: criteria provided, single submitter. Criteria: ACMG Guidelines, 2015. Collection method: clinical testing. Allele origin: germline. Observed: 1 variant allele.
Comment: BP4

Fulgent Genetics
Classification: Uncertain significance for Focal segmental glomerulosclerosis 1. Last evaluated: 2021-09-15. Review status: criteria provided, single submitter. Criteria: ACMG Guidelines, 2015. Collection method: clinical testing. Allele origin: unknown.